The following is an entry in ClinVar:

NM_000179.3(MSH6):c.1380C>A (p.Gly460=)

Gene: MSH6 (mutS homolog 6; plus strand). Cytogenetic location: 2p16.3.
Variant type: single nucleotide variant.
Coding change: c.1380C>A on transcript NM_000179.3 (MANE Select); coding-DNA position 1380, C replaced by A.
Protein change: p.Gly460=; no amino-acid change (glycine 460 retained).
Molecular consequence: synonymous variant. On other transcripts: non-coding transcript variant (4), intron variant (1).
Genome position (GRCh38, 1-based): chr2:47,799,363, C>A. VCF-style: chr2-47799363-C-A. GRCh37 (hg19) VCF-style: chr2-48026502-C-A.
Other names: c.1083C>A, p.Gly361= (NM_001406797.1, NM_001406801.1, NM_001406805.1 and 10 more transcripts); c.1380C>A, p.Gly460= (NM_001406798.1, NM_001406800.1, NM_001406803.1 and 4 more transcripts); c.855C>A, p.Gly285= (NM_001406799.1, NM_001406806.1, NM_001406807.1); c.1476C>A, p.Gly492= (NM_001406802.1, NM_001406795.1); c.1302C>A, p.Gly434= (NM_001406804.1); c.474C>A, p.Gly158= (NM_001406811.1, NM_001406812.1, NM_001406814.1 and 6 more transcripts); c.1386C>A, p.Gly462= (NM_001406813.1); c.1212C>A, p.Gly404= (NM_001406826.1); and 2 more.
Identifiers: ClinVar variation 2587365 (VCV002587365.3), dbSNP rs1572722769, ClinGen allele CA426121120.

ClinVar aggregate classification (germline): Benign/Likely benign. Review status: criteria provided, multiple submitters, no conflicts (2 of 4 stars). 2 submissions from 2 submitters: Benign (1); Likely benign (1). Last evaluated 2024-12-26.

Conditions:
Hereditary cancer-predisposing syndrome. Also called: Tumor predisposition; Hereditary Cancer Syndrome; Hereditary neoplastic syndrome; Neoplastic Syndromes, Hereditary. Identifiers: Orphanet 140162, MedGen C0027672, MeSH D009386, MONDO:0015356.
Lynch syndrome 5 (LYNCH5). Also called: Hereditary non-polyposis colorectal cancer, type 5; Colorectal cancer, hereditary nonpolyposis, type 5. Identifiers: Orphanet 144, MedGen C1833477, MONDO:0013710, OMIM 614350. Disease mechanism: loss of function.

Submissions (2):

Myriad Genetics, Inc.
Classification: Benign for Lynch syndrome 5. Last evaluated: 2024-12-26. Review status: criteria provided, single submitter. Criteria: Myriad Autosomal Dominant, Autosomal Recessive and X-Linked Classification Criteria (2023). Collection method: clinical testing. Allele origin: unknown.
Comment: This variant is considered benign. This variant is a silent/synonymous amino acid change and it is not expected to impact splicing.

Ambry Genetics
Classification: Likely benign for Hereditary cancer-predisposing syndrome. Last evaluated: 2023-09-11. Review status: criteria provided, single submitter. Criteria: Ambry Variant Classification Scheme 2023. Collection method: clinical testing. Allele origin: germline.